The following is an entry in ClinVar:

ClinVar aggregate classification (germline): Uncertain significance (1 of 4 stars; one submission).

Conditions:
Hereditary cancer-predisposing syndrome. Also called: Neoplastic Syndromes, Hereditary; Tumor predisposition; Hereditary Cancer Syndrome; Hereditary neoplastic syndrome. Identifiers: Orphanet 140162, MedGen C0027672, MeSH D009386, MONDO:0015356.

Submission:

Ambry Genetics
Classification: Uncertain significance for Hereditary cancer-predisposing syndrome. Last evaluated: 2026-02-23. Review status: criteria provided, single submitter. Criteria: Ambry Variant Classification Scheme 2023. Collection method: clinical testing. Allele origin: germline.
Comment: The p.E79D variant (also known as c.237G>C), located in coding exon 2 of the PRKAR1A gene, results from a G to C substitution at nucleotide position 237. The glutamic acid at codon 79 is replaced by aspartic acid, an amino acid with highly similar properties. This amino acid position is conserved. In addition, this alteration is predicted to be tolerated by in silico analysis. Based on the available evidence, the clinical significance of this variant remains unclear.

NM_002734.5(PRKAR1A):c.237G>C (p.Glu79Asp)

Gene: PRKAR1A (protein kinase cAMP-dependent type I regulatory subunit alpha; plus strand). Cytogenetic location: 17q24.2.
Variant type: single nucleotide variant.
Coding change: c.237G>C on transcript NM_002734.5 (MANE Select); coding-DNA position 237, G replaced by C.
Protein change: p.Glu79Asp; replaces glutamic acid 79 with aspartic acid.
Molecular consequence: missense variant.
Genome position (GRCh38, 1-based): chr17:68,522,815, G>C. VCF-style: chr17-68522815-G-C. GRCh37 (hg19) VCF-style: chr17-66518956-G-C.
Other names: c.237G>C, p.Glu79Asp (NM_001276289.2, NM_001276290.1, NM_001278433.2 and 4 more transcripts); short protein forms E79D.
Identifiers: ClinVar variation 4825740 (VCV004825740.1).